The following is an entry in ClinVar:

NM_003126.4(SPTA1):c.1985T>C (p.Leu662Pro)

Gene: SPTA1 (spectrin alpha, erythrocytic 1; minus strand). Cytogenetic location: 1q23.1.
Variant type: single nucleotide variant.
Coding change: c.1985T>C on transcript NM_003126.4 (MANE Select); coding-DNA position 1985, T replaced by C.
Protein change: p.Leu662Pro; replaces leucine 662 with proline.
Molecular consequence: missense variant.
Genome position (GRCh38, 1-based): chr1:158,667,911, A>G on the plus strand (T>C on the coding strand, the complement: SPTA1 is on the minus strand). VCF-style: chr1-158667911-A-G. GRCh37 (hg19) VCF-style: chr1-158637701-A-G.
Other names: short protein forms L662P.
Identifiers: ClinVar variation 2014858 (VCV002014858.4), dbSNP rs2525239650, ClinGen allele CA343006001.

ClinVar aggregate classification (germline): Uncertain significance (1 of 4 stars; one submission).

Submission:

Labcorp Genetics (formerly Invitae), Labcorp
Classification: Uncertain significance. Last evaluated: 2022-07-07. Review status: criteria provided, single submitter. Criteria: Invitae Variant Classification Sherloc (09022015). Collection method: clinical testing. Allele origin: germline.
Comment: Algorithms developed to predict the effect of missense changes on protein structure and function (SIFT, PolyPhen-2, Align-GVGD) all suggest that this variant is likely to be disruptive. This variant has not been reported in the literature in individuals affected with SPTA1-related conditions. This variant is not present in population databases (gnomAD no frequency). This sequence change replaces leucine, which is neutral and non-polar, with proline, which is neutral and non-polar, at codon 662 of the SPTA1 protein (p.Leu662Pro). In summary, the available evidence is currently insufficient to determine the role of this variant in disease. Therefore, it has been classified as a Variant of Uncertain Significance.